The following is an entry in ClinVar:

NM_017838.4(NHP2):c.369C>T (p.Pro123=)

Genes: NHP2 (NHP2 ribonucleoprotein; minus strand), RMND5B (required for meiotic nuclear division 5 homolog B; plus strand). Cytogenetic location: 5q35.3.
Variant type: single nucleotide variant.
Coding change: c.369C>T on transcript NM_017838.4 (MANE Select); coding-DNA position 369, C replaced by T.
Protein change: p.Pro123=; no amino-acid change (proline 123 retained).
Molecular consequence: synonymous variant. On other transcripts: missense variant (2), 3 prime UTR variant (3).
Genome position (GRCh38, 1-based): chr5:178,149,806, G>A on the plus strand (C>T on the coding strand, the complement: NHP2 is on the minus strand). VCF-style: chr5-178149806-G-A. GRCh37 (hg19) VCF-style: chr5-177576807-G-A.
Other names: c.497C>T, p.Pro166Leu (NM_001396110.1); c.*1774G>A (NM_001288794.2, NM_001288795.2, NM_022762.5); c.263C>T (NM_001034833.1); c.263C>T, p.Pro88Leu (NM_001034833.2); short protein forms P88L, P166L.
Identifiers: ClinVar variation 435986 (VCV000435986.21), dbSNP rs375285426, ClinGen allele CA3589117.
Genomic context (GRCh38, chr5:178,149,806, plus strand): 5'-CAGGCACTCATCGTAAGCCTCCTGGTACTCCTCATGGGGCTTGACCATTATCACACAGGT[G>A]GGGCGCTTGGAGCCTGCGGCTGCACCCAGGTCCTACAGAGGGGAAAGAAGTGCTGTTTGG-3'
Protein context (NP_060308.1, residues 113-133): DLGAAAGSKR[Pro123=]TCVIMVKPHE

ClinVar aggregate classification (germline): Benign/Likely benign. Review status: criteria provided, multiple submitters, no conflicts (2 of 4 stars). 6 submissions from 6 submitters: Benign (1); Likely benign (4). 1 of the submissions does not count toward it. Last evaluated 2026-01-26.

Conditions:
NHP2-related disorder. Also called: NHP2-related condition.
Dyskeratosis congenita. Identifiers: Orphanet 1775, MedGen C0265965, MONDO:0015780.

Allele frequency attached by ClinVar (database versions not stated): ESP Exome Variant Server 0.00015; TOPMed 0.00020; gnomAD exomes 0.00022 and 0.00031; ExAC 0.00032; gnomAD 0.00034 and 0.00035.
gnomAD v4.1: 369 of 1,613,772 alleles (0.023%); highest among the groups gnomAD compares: Non-Finnish European, 0.028%; 1 homozygote.

Submissions (6):

Labcorp Genetics (formerly Invitae), Labcorp
Classification: Likely benign for Dyskeratosis congenita. Last evaluated: 2026-01-26. Review status: criteria provided, single submitter. Criteria: Invitae Variant Classification Sherloc (09022015). Collection method: clinical testing. Allele origin: germline.

Laboratory of Genetics, Children's Clinical University Hospital Latvia
Classification: Benign. Last evaluated: 2025-02-16. Review status: criteria provided, single submitter. Criteria: ACMG Guidelines, 2015. Collection method: clinical testing. Allele origin: germline. Affected: yes.

Blueprint Genetics
Classification: Likely benign. Last evaluated: 2024-11-15. Review status: criteria provided, single submitter. Criteria: ACMG Guidelines, 2015. Collection method: clinical testing. Allele origin: germline.

Ambry Genetics
Classification: Likely benign for Dyskeratosis congenita. Last evaluated: 2023-08-02. Review status: criteria provided, single submitter. Criteria: Ambry Variant Classification Scheme 2023. Collection method: clinical testing. Allele origin: germline.

Genetic Services Laboratory, University of Chicago
Classification: Likely benign. Last evaluated: 2016-09-29. Review status: criteria provided, single submitter. Criteria: ACMG Guidelines, 2015. Collection method: clinical testing. Allele origin: germline. Affected: no.

PreventionGenetics, part of Exact Sciences
Classification: Likely benign for NHP2-related condition. Last evaluated: 2024-04-11. Review status: no assertion criteria provided. Collection method: clinical testing. Allele origin: germline. Not counted in ClinVar's aggregate classification.
Comment: This variant is classified as likely benign based on ACMG/AMP sequence variant interpretation guidelines (Richards et al. 2015 PMID: 25741868, with internal and published modifications).